The following is an entry in ClinVar:

NM_001160372.4(TRAPPC9):c.3249C>G (p.Phe1083Leu)

Gene: TRAPPC9 (trafficking protein particle complex subunit 9; minus strand). Cytogenetic location: 8q24.3.
Variant type: single nucleotide variant.
Coding change: c.3249C>G on transcript NM_001160372.4 (MANE Select); coding-DNA position 3249, C replaced by G.
Protein change: p.Phe1083Leu; replaces phenylalanine 1083 with leucine.
Molecular consequence: missense variant. On other transcripts: non-coding transcript variant (1).
Genome position (GRCh38, 1-based): chr8:139,732,009, G>C on the plus strand (C>G on the coding strand, the complement: TRAPPC9 is on the minus strand). VCF-style: chr8-139732009-G-C. GRCh37 (hg19) VCF-style: chr8-140744252-G-C.
Other names: c.3222C>G, p.Phe1074Leu (NM_001321646.2); c.3270C>G, p.Phe1090Leu (NM_001374682.1); c.3138C>G, p.Phe1046Leu (NM_001374683.1); c.3105C>G, p.Phe1035Leu (NM_001374684.1); c.3249C>G, p.Phe1083Leu (NM_031466.8); short protein forms F1074L, F1046L, F1035L, F1083L, F1090L.
Identifiers: ClinVar variation 1732498 (VCV001732498.6), dbSNP rs112551069, ClinGen allele CA4892764.
Genomic context (GRCh38, chr8:139,732,009, plus strand): 5'-TCCCAGACCGCCTTGCACACCACCACGCACCGCGTCGAGGTAGAAGGTGCTGGAGCCCAC[G>C]AAGGAGACGGTGTCGTGCAGGTCGTAGTTGTGCACGCCGTTCTGGTGGTCCTGGAAGGGG-3'
Protein context (NP_001153844.1, residues 1073-1093): HNYDLHDTVS[Phe1083Leu]VGSSTFYLDA

ClinVar aggregate classification (germline): Uncertain significance. Review status: criteria provided, multiple submitters, no conflicts (2 of 4 stars). 2 submissions from 2 submitters: Uncertain significance (2). Last evaluated 2026-02-16.

Conditions:
Inborn genetic diseases. Identifiers: MedGen C0950123, MeSH D030342.

gnomAD v4.1: 14 of 1,596,116 alleles (0.00088%); highest among the groups gnomAD compares: Middle Eastern, 0.017%; no homozygotes.

Submissions (3):

Ambry Genetics
Classification: Uncertain significance for Inborn genetic diseases. Last evaluated: 2026-02-16. Review status: criteria provided, single submitter. Criteria: Ambry Variant Classification Scheme 2023. Collection method: clinical testing. Allele origin: germline.
Comment: The c.3543C>G (p.F1181L) alteration is located in exon 22 (coding exon 22) of the TRAPPC9 gene. This alteration results from a C to G substitution at nucleotide position 3543, causing the phenylalanine (F) at amino acid position 1181 to be replaced by a leucine (L). Based on data from gnomAD, the G allele has an overall frequency of 0.003% (6/218814) total alleles studied. The highest observed frequency was 0.016% (5/31756) of Latino alleles. Based on insufficient or conflicting evidence, the clinical significance of this alteration remains unclear.

Labcorp Genetics (formerly Invitae), Labcorp
Classification: Uncertain significance. Last evaluated: 2022-09-01. Review status: criteria provided, single submitter. Criteria: Invitae Variant Classification Sherloc (09022015). Collection method: clinical testing. Allele origin: germline.
Comment: This sequence change replaces phenylalanine, which is neutral and non-polar, with leucine, which is neutral and non-polar, at codon 1181 of the TRAPPC9 protein (p.Phe1181Leu). This variant is present in population databases (rs112551069, gnomAD 0.02%). This variant has not been reported in the literature in individuals affected with TRAPPC9-related conditions. Algorithms developed to predict the effect of missense changes on protein structure and function are either unavailable or do not agree on the potential impact of this missense change (SIFT: "Not Available"; PolyPhen-2: "Probably Damaging"; Align-GVGD: "Not Available"). Algorithms developed to predict the effect of sequence changes on RNA splicing suggest that this variant may create or strengthen a splice site. In summary, the available evidence is currently insufficient to determine the role of this variant in disease. Therefore, it has been classified as a Variant of Uncertain Significance.

Dr. Peter K. Rogan Lab, Western University
No classification provided (evidence only). Condition: Ovarian serous cystadenocarcinoma. Review status: no classification provided. Collection method: in vitro. Allele origin: not applicable. Functional consequence: retained intron. Not counted in ClinVar's aggregate classification.